The following is an entry in ClinVar:

NM_030912.3(TRIM8):c.1645G>C (p.Val549Leu)

Gene: TRIM8 (tripartite motif containing 8; plus strand). Cytogenetic location: 10q24.32.
Variant type: single nucleotide variant.
Coding change: c.1645G>C on transcript NM_030912.3 (MANE Select); coding-DNA position 1645, G replaced by C.
Protein change: p.Val549Leu; replaces valine 549 with leucine.
Molecular consequence: missense variant. On other transcripts: non-coding transcript variant (1).
Genome position (GRCh38, 1-based): chr10:102,657,343, G>C. VCF-style: chr10-102657343-G-C. GRCh37 (hg19) VCF-style: chr10-104417100-G-C.
Other names: c.1549G>C, p.Val517Leu (NM_001345950.1); c.1645G>C (NM_030912.2); short protein forms V517L, V549L.
Identifiers: ClinVar variation 2191684 (VCV002191684.5), dbSNP rs371789796, ClinGen allele CA212267638.
Genomic context (GRCh38, chr10:102,657,343, plus strand): 5'-CAGCAGCCCGGCCACCAGGATTTCTACAGGGTGTATGGGCAGCCGTCCACCAAACACTAC[G>C]TGACGAGCTAACGCCACGCAGGCGGCGGGGCGCTGGGGAATCTTCCTCCCCAGCCCCCGG-3'
Protein context (NP_112174.2, residues 539-551): VYGQPSTKHY[Val549Leu]TS

ClinVar aggregate classification (germline): Conflicting classifications of pathogenicity. Review status: criteria provided, conflicting classifications (1 of 4 stars). 2 submissions from 2 submitters: Uncertain significance (1); Likely benign (1). Last evaluated 2026-07-16.

Conditions:
TRIM8-related disorder. Also called: TRIM8-related condition.

gnomAD v4.1: 12 of 1,577,046 alleles (0.00076%); highest among the groups gnomAD compares: Admixed American, 0.0072%; no homozygotes.

Submissions (2):

PreventionGenetics, part of Exact Sciences
Classification: Uncertain significance for TRIM8-related condition. Last evaluated: 2026-07-16. Review status: criteria provided, single submitter. Criteria: ACMG Guidelines, 2015. Collection method: clinical testing. Allele origin: germline.
Comment: The TRIM8 c.1645G>C variant is predicted to result in the amino acid substitution p.Val549Leu. To our knowledge, this variant has not been reported in the literature. This variant is reported in 0.0032% of alleles in individuals of Latino descent in gnomAD. At this time, the clinical significance of this variant is uncertain due to the absence of conclusive functional and genetic evidence.

Labcorp Genetics (formerly Invitae), Labcorp
Classification: Likely benign. Last evaluated: 2025-11-23. Review status: criteria provided, single submitter. Criteria: Invitae Variant Classification Sherloc (09022015). Collection method: clinical testing. Allele origin: germline.